The following is an entry in ClinVar:

NM_001267550.2(TTN):c.50494G>A (p.Ala16832Thr)

Genes: TTN (titin; minus strand), TTN-AS1 (TTN antisense RNA 1; plus strand). Cytogenetic location: 2q31.2.
Variant type: single nucleotide variant.
Coding change: c.50494G>A on transcript NM_001267550.2 (MANE Select); coding-DNA position 50494, G replaced by A.
Protein change: p.Ala16832Thr; replaces alanine 16832 with threonine.
Molecular consequence: missense variant.
Genome position (GRCh38, 1-based): chr2:178,611,815, C>T on the plus strand (G>A on the coding strand, the complement: TTN is on the minus strand). VCF-style: chr2-178611815-C-T. GRCh37 (hg19) VCF-style: chr2-179476542-C-T.
Other names: c.42790G>A, p.Ala14264Thr (NM_133378.4); c.45571G>A, p.Ala15191Thr (NM_001256850.1); c.23299G>A, p.Ala7767Thr (NM_003319.4); c.23674G>A, p.Ala7892Thr (NM_133432.3); c.23875G>A, p.Ala7959Thr (NM_133437.4); short protein forms A14264T, A16832T, A15191T, A7892T, A7959T, A7767T.
Identifiers: ClinVar variation 505051 (VCV000505051.5), dbSNP rs1465354124, ClinGen allele CA349595727.

ClinVar aggregate classification (germline): Uncertain significance (1 of 4 stars; one submission).

Allele frequency attached by ClinVar (database versions not stated): gnomAD exomes below 0.00001.
gnomAD v4.1: 1 of 1,612,948 alleles (0.000062%); highest among the groups gnomAD compares: Non-Finnish European, 0.000085%; no homozygotes.

Submission:

Laboratory for Molecular Medicine, Mass General Brigham Personalized Medicine
Classification: Uncertain significance. Last evaluated: 2016-05-18. Review status: criteria provided, single submitter. Criteria: LMM Criteria. Collection method: clinical testing. Allele origin: germline. Observed: 1 variant allele.
Comment: The p.Ala14264Thr variant in TTN has not been previously reported in individuals with cardiomyopathy or in large population studies. Computational prediction to ols and conservation analysis do not provide strong support for or against an im pact to the protein. In summary, the clinical significance of the p.Ala14264Thr variant is uncertain.